The following is an entry in ClinVar:

NC_000012.11:g.(?_102796285)_(102875569_?)del

Gene: IGF1 (insulin like growth factor 1; minus strand). Cytogenetic location: 12q23.2.
Variant type: Deletion.
Identifiers: ClinVar variation 3244358 (VCV003244358.1).

ClinVar aggregate classification (germline): Pathogenic (1 of 4 stars; one submission).

Submission:

Labcorp Genetics (formerly Invitae), Labcorp
Classification: Pathogenic. Last evaluated: 2023-02-08. Review status: criteria provided, single submitter. Criteria: Invitae Variant Classification Sherloc (09022015). Collection method: clinical testing. Allele origin: unknown.
Comment: A gross deletion of the genomic region encompassing the full coding sequence of the IGF1 gene has been identified. Loss-of-function variants in IGF1 are known to be pathogenic (PMID: 8857020, 31230720). The boundaries of this event are unknown as they extend beyond the assayed region for this gene and therefore may encompass additional genes. A similar copy number variant has been observed in individual(s) with short stature (PMID: 24243634, 34125705). For these reasons, this variant has been classified as Pathogenic.

Literature cited by the submitters: PubMed 8857020; PubMed 31230720; PubMed 24243634; PubMed 34125705.